The following is an entry in ClinVar:

ClinVar aggregate classification (germline): Uncertain significance (1 of 4 stars; one submission).

Conditions:
Glucose-6-phosphate transport defect (GSD1B). Also called: Glycogen Storage Disease Type Ib; GSD Ib. Identifiers: Orphanet 364, Orphanet 79259, MedGen C0268146, MONDO:0009288, OMIM 232220.

Submission:

Labcorp Genetics (formerly Invitae), Labcorp
Classification: Uncertain significance for Glucose-6-phosphate transport defect. Last evaluated: 2024-10-05. Review status: criteria provided, single submitter. Criteria: Invitae Variant Classification Sherloc (09022015). Collection method: clinical testing. Allele origin: germline.
Comment: This sequence change replaces arginine, which is basic and polar, with leucine, which is neutral and non-polar, at codon 10 of the SLC37A4 protein (p.Arg10Leu). This variant is not present in population databases (gnomAD no frequency). This variant has not been reported in the literature in individuals affected with SLC37A4-related conditions. Invitae Evidence Modeling of protein sequence and biophysical properties (such as structural, functional, and spatial information, amino acid conservation, physicochemical variation, residue mobility, and thermodynamic stability) indicates that this missense variant is expected to disrupt SLC37A4 protein function with a positive predictive value of 80%. In summary, the available evidence is currently insufficient to determine the role of this variant in disease. Therefore, it has been classified as a Variant of Uncertain Significance.

NM_001164277.2(SLC37A4):c.29G>T (p.Arg10Leu)

Gene: SLC37A4 (solute carrier family 37 member 4; minus strand). Cytogenetic location: 11q23.3.
Variant type: single nucleotide variant.
Coding change: c.29G>T on transcript NM_001164277.2 (MANE Select); coding-DNA position 29, G replaced by T.
Protein change: p.Arg10Leu; replaces arginine 10 with leucine.
Molecular consequence: missense variant. On other transcripts: intron variant (1).
Genome position (GRCh38, 1-based): chr11:119,029,341, C>A on the plus strand (G>T on the coding strand, the complement: SLC37A4 is on the minus strand). VCF-style: chr11-119029341-C-A. GRCh37 (hg19) VCF-style: chr11-118900051-C-A.
Other names: c.29G>T, p.Arg10Leu (NM_001164278.2, NM_001164280.2, NM_001467.6); c.-172+51G>T (NM_001164279.2); short protein forms R10L.
Identifiers: ClinVar variation 3718922 (VCV003718922.2).